The following is an entry in ClinVar:

ClinVar aggregate classification (germline): Conflicting classifications of pathogenicity. Review status: criteria provided, conflicting classifications (1 of 4 stars). 2 submissions from 2 submitters: Uncertain significance (1); Likely benign (1). Last evaluated 2024-02-01.

Allele frequency attached by ClinVar (database versions not stated): TOPMed 0.00007; gnomAD 0.00016; ExAC 0.00025.
gnomAD v4.1: 192 of 1,201,122 alleles (0.016%); highest among the groups gnomAD compares: South Asian, 0.089%; no homozygotes.

Submissions (2):

CeGaT Center for Human Genetics Tuebingen
Classification: Likely benign. Last evaluated: 2024-02-01. Review status: criteria provided, single submitter. Criteria: CeGaT Center For Human Genetics Tuebingen Variant Classification Criteria Version 2. Collection method: clinical testing. Allele origin: germline. Affected: yes. Observed: 1 variant allele.
Comment: MXRA5: BS2

Ambry Genetics
Classification: Uncertain significance. Last evaluated: 2021-09-01. Review status: criteria provided, single submitter. Criteria: Ambry Variant Classification Scheme 2023. Collection method: clinical testing. Allele origin: germline.

NM_015419.4(MXRA5):c.5987C>T (p.Ser1996Phe)

Gene: MXRA5 (matrix remodeling associated 5; minus strand). Cytogenetic location: Xp22.33.
Variant type: single nucleotide variant.
Coding change: c.5987C>T on transcript NM_015419.4 (MANE Select); coding-DNA position 5987, C replaced by T.
Protein change: p.Ser1996Phe; replaces serine 1996 with phenylalanine.
Molecular consequence: missense variant.
Genome position (GRCh38, 1-based): chrX:3,317,694, G>A on the plus strand (C>T on the coding strand, the complement: MXRA5 is on the minus strand). VCF-style: chrX-3317694-G-A. GRCh37 (hg19) VCF-style: chrX-3235735-G-A.
Other names: short protein forms S1996F.
Identifiers: ClinVar variation 2354252 (VCV002354252.18), dbSNP rs199786756, ClinGen allele CA10339689.